The following is an entry in ClinVar:

ClinVar aggregate classification (germline): Uncertain significance. Review status: criteria provided, multiple submitters, no conflicts (2 of 4 stars). 2 submissions from 2 submitters: Uncertain significance (2). Last evaluated 2025-10-28.

gnomAD v4.1: 15 of 1,613,092 alleles (0.00093%); highest among the groups gnomAD compares: Non-Finnish European, 0.001%; no homozygotes.

Submissions (2):

Women's Health and Genetics/Laboratory Corporation of America, LabCorp
Classification: Uncertain significance. Last evaluated: 2025-10-28. Review status: criteria provided, single submitter. Criteria: LabCorp Variant Classification Summary - May 2015. Collection method: clinical testing. Allele origin: germline.
Comment: Variant summary: AEBP1 c.1255A>G (p.Met419Val) results in a conservative amino acid change in the encoded protein sequence. Algorithms developed to predict the effect of missense changes on protein structure and function are either unavailable or do not agree on the potential impact of this missense change. The variant allele was found at a frequency of 4e-06 in 250050 control chromosomes. The available data on variant occurrences in the general population are insufficient to allow any conclusion about variant significance. To our knowledge, no occurrence of c.1255A>G in individuals affected with AEBP1-related conditions and no experimental evidence demonstrating its impact on protein function have been reported. ClinVar contains an entry for this variant (Variation ID: 3390384). Based on the evidence outlined above, the variant was classified as uncertain significance.

GeneDx
Classification: Uncertain significance. Last evaluated: 2024-06-13. Review status: criteria provided, single submitter. Criteria: GeneDx Variant Classification Process June 2021. Collection method: clinical testing. Allele origin: germline. Affected: yes.
Comment: Not observed at significant frequency in large population cohorts (gnomAD); In silico analysis indicates that this missense variant does not alter protein structure/function; Has not been previously published as pathogenic or benign to our knowledge

NM_001129.5(AEBP1):c.1255A>G (p.Met419Val)

Gene: AEBP1 (AE binding protein 1; plus strand). Cytogenetic location: 7p13.
Variant type: single nucleotide variant.
Coding change: c.1255A>G on transcript NM_001129.5 (MANE Select); coding-DNA position 1255, A replaced by G.
Protein change: p.Met419Val; replaces methionine 419 with valine.
Molecular consequence: missense variant.
Genome position (GRCh38, 1-based): chr7:44,110,119, A>G. VCF-style: chr7-44110119-A-G. GRCh37 (hg19) VCF-style: chr7-44149718-A-G.
Other names: short protein forms M419V.
Identifiers: ClinVar variation 3390384 (VCV003390384.2).